The following is an entry in ClinVar:

NM_005476.7(GNE):c.2150C>G (p.Thr717Arg)

Gene: GNE (glucosamine (UDP-N-acetyl)-2-epimerase/N-acetylmannosamine kinase; minus strand). Cytogenetic location: 9p13.3.
Variant type: single nucleotide variant.
Coding change: c.2150C>G on transcript NM_005476.7 (MANE Select); coding-DNA position 2150, C replaced by G.
Protein change: p.Thr717Arg; replaces threonine 717 with arginine.
Molecular consequence: missense variant.
Genome position (GRCh38, 1-based): chr9:36,217,384, G>C on the plus strand (C>G on the coding strand, the complement: GNE is on the minus strand). VCF-style: chr9-36217384-G-C. GRCh37 (hg19) VCF-style: chr9-36217381-G-C.
Other names: c.2243C>G, p.Thr748Arg (NM_001128227.3); c.1928C>G, p.Thr643Arg (NM_001190383.3); c.1820C>G, p.Thr607Arg (NM_001190384.3); c.1973C>G, p.Thr658Arg (NM_001190388.2, NM_001374798.1); c.1997C>G, p.Thr666Arg (NM_001374797.1); short protein forms T643R, T748R, T666R, T658R, T607R, T717R.
Identifiers: ClinVar variation 2151555 (VCV002151555.3), dbSNP rs764012292, ClinGen allele CA5056341.

ClinVar aggregate classification (germline): Uncertain significance (1 of 4 stars; one submission).

Conditions:
Sialuria. Also called: Sialic Acid Storage Disease; SIALURIA, FRENCH TYPE. Identifiers: Orphanet 3166, MedGen C0342853, MONDO:0010028, OMIM 269921.
GNE myopathy (NM). Also called: NONAKA DISTAL MYOPATHY; IBM 2; Inclusion body myopathy autosomal recessive; Inclusion body myopathy quadriceps sparing; INCLUSION BODY MYOPATHY, HEREDITARY, AUTOSOMAL RECESSIVE; INCLUSION BODY MYOPATHY 2, AUTOSOMAL RECESSIVE. Identifiers: Orphanet 602, MedGen C1853926, MONDO:0011603, OMIM 605820.

Allele frequency attached by ClinVar (database versions not stated): gnomAD exomes below 0.00001; ExAC 0.00001; TOPMed 0.00001; gnomAD 0.00002.
gnomAD v4.1: 8 of 1,612,716 alleles (0.0005%); highest among the groups gnomAD compares: Admixed American, 0.013%; no homozygotes.

Submission:

Labcorp Genetics (formerly Invitae), Labcorp
Classification: Uncertain significance for Sialuria; GNE myopathy. Last evaluated: 2025-05-25. Review status: criteria provided, single submitter. Criteria: Invitae Variant Classification Sherloc (09022015). Collection method: clinical testing. Allele origin: germline.
Comment: This sequence change replaces threonine, which is neutral and polar, with arginine, which is basic and polar, at codon 748 of the GNE protein (p.Thr748Arg). This variant is present in population databases (rs764012292, gnomAD 0.006%). This variant has not been reported in the literature in individuals affected with GNE-related conditions. ClinVar contains an entry for this variant (Variation ID: 2151555). Invitae Evidence Modeling of protein sequence and biophysical properties (such as structural, functional, and spatial information, amino acid conservation, physicochemical variation, residue mobility, and thermodynamic stability) has been performed for this missense variant. However, the output from this modeling did not meet the statistical confidence thresholds required to predict the impact of this variant on GNE protein function. In summary, the available evidence is currently insufficient to determine the role of this variant in disease. Therefore, it has been classified as a Variant of Uncertain Significance.